The following is an entry in ClinVar:

ClinVar aggregate classification (germline): Uncertain significance (1 of 4 stars; one submission).

Conditions:
Fanconi anemia (FA). Also called: Fanconi's anemia. Identifiers: Orphanet 84, MedGen C0015625, MeSH D005199, MONDO:0019391.

Allele frequency attached by ClinVar (database versions not stated): TOPMed below 0.00001.

Submission:

Labcorp Genetics (formerly Invitae), Labcorp
Classification: Uncertain significance for Fanconi anemia. Last evaluated: 2019-12-27. Review status: criteria provided, single submitter. Criteria: Invitae Variant Classification Sherloc (09022015). Collection method: clinical testing. Allele origin: germline.
Comment: This variant has not been reported in the literature in individuals with FANCI-related conditions. In summary, the available evidence is currently insufficient to determine the role of this variant in disease. Therefore, it has been classified as a Variant of Uncertain Significance. Algorithms developed to predict the effect of missense changes on protein structure and function (SIFT, PolyPhen-2, Align-GVGD) all suggest that this variant is likely to be tolerated, but these predictions have not been confirmed by published functional studies and their clinical significance is uncertain. This variant is not present in population databases (ExAC no frequency). This sequence change replaces aspartic acid with valine at codon 170 of the FANCI protein (p.Asp170Val). The aspartic acid residue is moderately conserved and there is a large physicochemical difference between aspartic acid and valine.

NM_001113378.2(FANCI):c.509A>T (p.Asp170Val)

Gene: FANCI (FA complementation group I; plus strand). Cytogenetic location: 15q26.1.
Variant type: single nucleotide variant.
Coding change: c.509A>T on transcript NM_001113378.2 (MANE Select); coding-DNA position 509, A replaced by T.
Protein change: p.Asp170Val; replaces aspartic acid 170 with valine.
Molecular consequence: missense variant.
Genome position (GRCh38, 1-based): chr15:89,263,424, A>T. VCF-style: chr15-89263424-A-T. GRCh37 (hg19) VCF-style: chr15-89806655-A-T.
Other names: c.230A>T, p.Asp77Val (NM_001376910.1); c.509A>T, p.Asp170Val (NM_001376911.1, NM_018193.3); short protein forms D170V, D77V.
Identifiers: ClinVar variation 859516 (VCV000859516.9), dbSNP rs1328734606, ClinGen allele CA393738716.